The following is an entry in ClinVar:

ClinVar aggregate classification (germline): Uncertain significance. Review status: criteria provided, multiple submitters, no conflicts (2 of 4 stars). 2 submissions from 2 submitters: Uncertain significance (2). Last evaluated 2025-08-12.

Conditions:
Inborn genetic diseases. Identifiers: MedGen C0950123, MeSH D030342.
Curry-Hall syndrome (WAD). Also called: WEYERS ACRODENTAL DYSOSTOSIS. Identifiers: Orphanet 952, MedGen C0457013, MONDO:0008673, OMIM 193530.
Ellis-van Creveld syndrome (EVC). Also called: EVC-Related Ellis-van Creveld Syndrome; EVC2-Related Ellis-van Creveld Syndrome; MESOECTODERMAL DYSPLASIA; Chondroectodermal dysplasia. Identifiers: Orphanet 289, MedGen C0013903, MONDO:0009162, OMIM 225500.

Submissions (2):

Ambry Genetics
Classification: Uncertain significance for Inborn genetic diseases. Last evaluated: 2025-08-12. Review status: criteria provided, single submitter. Criteria: Ambry Variant Classification Scheme 2023. Collection method: clinical testing. Allele origin: germline.

Labcorp Genetics (formerly Invitae), Labcorp
Classification: Uncertain significance for Curry-Hall syndrome; Ellis-van Creveld syndrome. Last evaluated: 2025-06-09. Review status: criteria provided, single submitter. Criteria: Invitae Variant Classification Sherloc (09022015). Collection method: clinical testing. Allele origin: germline.
Comment: This sequence change replaces threonine, which is neutral and polar, with methionine, which is neutral and non-polar, at codon 699 of the EVC2 protein (p.Thr699Met). This variant is present in population databases (rs778086528, gnomAD 0.01%). This variant has not been reported in the literature in individuals affected with EVC2-related conditions. An algorithm developed to predict the effect of missense changes on protein structure and function (PolyPhen-2) suggests that this variant is likely to be tolerated. In summary, the available evidence is currently insufficient to determine the role of this variant in disease. Therefore, it has been classified as a Variant of Uncertain Significance.

NM_147127.5(EVC2):c.2096C>T (p.Thr699Met)

Gene: EVC2 (EvC ciliary complex subunit 2; minus strand). Cytogenetic location: 4p16.2.
Variant type: single nucleotide variant.
Coding change: c.2096C>T on transcript NM_147127.5 (MANE Select); coding-DNA position 2096, C replaced by T.
Protein change: p.Thr699Met; replaces threonine 699 with methionine.
Molecular consequence: missense variant.
Genome position (GRCh38, 1-based): chr4:5,622,942, G>A on the plus strand (C>T on the coding strand, the complement: EVC2 is on the minus strand). VCF-style: chr4-5622942-G-A. GRCh37 (hg19) VCF-style: chr4-5624669-G-A.
Other names: c.1856C>T, p.Thr619Met (NM_001166136.2); short protein forms T619M, T699M.
Identifiers: ClinVar variation 4251543 (VCV004251543.2).